The following is an entry in ClinVar:

ClinVar aggregate classification (germline): Uncertain significance (1 of 4 stars; one submission).

Allele frequency attached by ClinVar (database versions not stated): TOPMed below 0.00001; gnomAD exomes 0.00001.
gnomAD v4.1: 3 of 1,613,946 alleles (0.00019%); highest among the groups gnomAD compares: African/African-American, 0.0013%; no homozygotes.

Submission:

Labcorp Genetics (formerly Invitae), Labcorp
Classification: Uncertain significance. Last evaluated: 2022-04-09. Review status: criteria provided, single submitter. Criteria: Invitae Variant Classification Sherloc (09022015). Collection method: clinical testing. Allele origin: germline.
Comment: In summary, the available evidence is currently insufficient to determine the role of this variant in disease. Therefore, it has been classified as a Variant of Uncertain Significance. Algorithms developed to predict the effect of missense changes on protein structure and function are either unavailable or do not agree on the potential impact of this missense change (SIFT: "Deleterious"; PolyPhen-2: "Probably Damaging"; Align-GVGD: "Class C0"). This variant has not been reported in the literature in individuals affected with PKD1L1-related conditions. This variant is present in population databases (no rsID available, gnomAD 0.007%). This sequence change replaces phenylalanine, which is neutral and non-polar, with leucine, which is neutral and non-polar, at codon 1212 of the PKD1L1 protein (p.Phe1212Leu).

NM_138295.5(PKD1L1):c.3634T>C (p.Phe1212Leu)

Gene: PKD1L1 (polycystin 1 like 1, transient receptor potential channel interacting; minus strand). Cytogenetic location: 7p12.3.
Variant type: single nucleotide variant.
Coding change: c.3634T>C on transcript NM_138295.5 (MANE Select); coding-DNA position 3634, T replaced by C.
Protein change: p.Phe1212Leu; replaces phenylalanine 1212 with leucine.
Molecular consequence: missense variant.
Genome position (GRCh38, 1-based): chr7:47,877,518, A>G on the plus strand (T>C on the coding strand, the complement: PKD1L1 is on the minus strand). VCF-style: chr7-47877518-A-G. GRCh37 (hg19) VCF-style: chr7-47917116-A-G.
Other names: short protein forms F1212L.
Identifiers: ClinVar variation 1986391 (VCV001986391.4), dbSNP rs1387180317, ClinGen allele CA367477637.